The following is an entry in ClinVar:

NM_000093.5(COL5A1):c.4879C>T (p.Arg1627Trp)

Genes: COL5A1 (collagen type V alpha 1 chain; plus strand), LOC101448202 (uncharacterized LOC101448202; minus strand). Cytogenetic location: 9q34.3.
Variant type: single nucleotide variant.
Coding change: c.4879C>T on transcript NM_000093.5 (MANE Select); coding-DNA position 4879, C replaced by T.
Protein change: p.Arg1627Trp; replaces arginine 1627 with tryptophan.
Molecular consequence: missense variant.
Genome position (GRCh38, 1-based): chr9:134,824,780, C>T. VCF-style: chr9-134824780-C-T. GRCh37 (hg19) VCF-style: chr9-137716626-C-T.
Other names: p.R1627W:CGG>TGG; c.4879C>T, p.Arg1627Trp (NM_001278074.1); short protein forms R1627W.
Identifiers: ClinVar variation 212994 (VCV000212994.20), dbSNP rs558906147, ClinGen allele CA322330.

ClinVar aggregate classification (germline): Conflicting classifications of pathogenicity. Review status: criteria provided, conflicting classifications (1 of 4 stars). 7 submissions from 6 submitters: Uncertain significance (5); Benign (1); Likely benign (1). Last evaluated 2026-05-18.

Conditions:
Fibromuscular dysplasia, multifocal. Identifiers: MedGen C5543412, MONDO:0859151, OMIM 619329.
Ehlers-Danlos syndrome, classic type, 1 (EDSCL1). Also called: Ehlers-Danlos Syndrome, Classic Type, COL5A1-Related; EHLERS-DANLOS SYNDROME, GRAVIS TYPE; EHLERS-DANLOS SYNDROME, SEVERE CLASSIC TYPE; Ehlers-Danlos syndrome, type 1; EDS I. Identifiers: MedGen C0268335, MONDO:0019567, OMIM 130000.
Ehlers-Danlos syndrome, classic type (cEDS). Identifiers: Orphanet 287, MedGen C4225429, MONDO:0007522.
Familial thoracic aortic aneurysm and aortic dissection (TAAD). Also called: Thoracic aortic aneurysms and dissections. Identifiers: Orphanet 91387, MedGen C4707243, MONDO:0019625.

Allele frequency attached by ClinVar (database versions not stated): ExAC 0.00004; gnomAD 0.00002 and 0.00005; TOPMed 0.00005; gnomAD exomes 0.00006; 1000 Genomes Project 30x 0.00016; 1000 Genomes Project 0.00020.
gnomAD v4.1: 63 of 1,614,154 alleles (0.0039%); highest among the groups gnomAD compares: Middle Eastern, 0.049%; no homozygotes.

Submissions (7):

Women's Health and Genetics/Laboratory Corporation of America, LabCorp
Classification: Likely benign. Last evaluated: 2026-05-18. Review status: criteria provided, single submitter. Criteria: LabCorp Variant Classification Summary - May 2015. Collection method: clinical testing. Allele origin: germline.
Comment: Variant summary: COL5A1 c.4879C>T (p.Arg1627Trp) results in a non-conservative amino acid change in the encoded protein sequence. Algorithms developed to predict the effect of missense changes on protein structure and function are either unavailable or do not agree on the potential impact of this missense change. The variant allele was found at a frequency of 6.4e-05 in 250260 control chromosomes. The observed variant frequency exceeds the estimated maximal expected allele frequency for disease-causing variants in COL5A1. To our knowledge, no occurrence of c.4879C>T in individuals affected with COL5A1-related conditions and no experimental evidence demonstrating its impact on protein function have been reported. ClinVar contains an entry for this variant (Variation ID: 212994). Based on the evidence outlined above, the variant was classified as likely benign.

Labcorp Genetics (formerly Invitae), Labcorp
Classification: Benign for Ehlers-Danlos syndrome, classic type, 1. Last evaluated: 2026-01-05. Review status: criteria provided, single submitter. Criteria: Invitae Variant Classification Sherloc (09022015). Collection method: clinical testing. Allele origin: germline.

GeneDx
Classification: Uncertain significance. Last evaluated: 2025-04-23. Review status: criteria provided, single submitter. Criteria: GeneDx Variant Classification Process June 2021. Collection method: clinical testing. Allele origin: germline. Affected: yes.
Comment: Has not been previously published as pathogenic or benign to our knowledge; In silico analysis indicates that this missense variant does not alter protein structure/function; Not located in the triple helical region, where the majority of pathogenic missense variants occur (PMID: 22696272; HGMD); This variant is associated with the following publications: (PMID: 22696272)

Center for Genomics, Ann and Robert H. Lurie Children's Hospital of Chicago
Classification: Uncertain significance for Ehlers-Danlos syndrome, classic type, 1. Last evaluated: 2019-07-01. Review status: criteria provided, single submitter. Criteria: ACMG Guidelines, 2015. Collection method: clinical testing. Allele origin: germline.
Comment: COL5A1 NM_000093.4 exon 62 p.Arg1627Trp (c.4879C>T): This variant has not been reported in the literature but is present in 0.02% (4/19942) of East Asian alleles in the Genome Aggregation Database. This variant is present in ClinVar (Variation ID:212994). Evolutionary conservation and computational predictive tools suggest that this variant may impact the protein. In summary, data on this variant is insufficient for disease classification. Therefore, the clinical significance of this variant is uncertain.

Ambry Genetics
Classification: Uncertain significance for Familial thoracic aortic aneurysm and aortic dissection. Last evaluated: 2018-03-27. Review status: criteria provided, single submitter. Criteria: Ambry Variant Classification Scheme 2023. Collection method: clinical testing. Allele origin: germline.
Comment: The p.R1627W variant (also known as c.4879C>T), located in coding exon 62 of the COL5A1 gene, results from a C to T substitution at nucleotide position 4879. The arginine at codon 1627 is replaced by tryptophan, an amino acid with dissimilar properties. This amino acid position is not well conserved in available vertebrate species. In addition, this alteration is predicted to be tolerated by in silico analysis. Since supporting evidence is limited at this time, the clinical significance of this alteration remains unclear.

Breakthrough Genomics
Classification: Uncertain significance. Review status: criteria provided, single submitter. Criteria: ACMG Guidelines, 2015. Collection method: not provided. Allele origin: germline. Inheritance: Autosomal dominant inheritance. Affected: yes.

Center for Genomics, Ann and Robert H. Lurie Children's Hospital of Chicago
Classification: Uncertain significance for Ehlers-Danlos syndrome, classic type, 1; Fibromuscular dysplasia, multifocal. Review status: criteria provided, single submitter. Criteria: ACMG Guidelines, 2015. Collection method: clinical testing. Allele origin: germline.
Comment: the same text as in the submission from Center for Genomics, Ann and Robert H. Lurie Children's Hospital of Chicago above.